The following is an entry in ClinVar:

NM_000465.4(BARD1):c.537A>C (p.Ser179=)

Gene: BARD1 (BRCA1 associated RING domain 1; minus strand). Cytogenetic location: 2q35.
Variant type: single nucleotide variant.
Coding change: c.537A>C on transcript NM_000465.4 (MANE Select); coding-DNA position 537, A replaced by C.
Protein change: p.Ser179=; no amino-acid change (serine 179 retained).
Molecular consequence: synonymous variant. On other transcripts: non-coding transcript variant (2), intron variant (3).
Genome position (GRCh38, 1-based): chr2:214,781,337, T>G on the plus strand (A>C on the coding strand, the complement: BARD1 is on the minus strand). VCF-style: chr2-214781337-T-G. GRCh37 (hg19) VCF-style: chr2-215646061-T-G.
Other names: c.480A>C, p.Ser160= (NM_001282543.2); c.158+28075A>C (NM_001282548.2); c.215+15724A>C (NM_001282545.2); c.364+10960A>C (NM_001282549.2).
Identifiers: ClinVar variation 1956802 (VCV001956802.6), dbSNP rs786202959, ClinGen allele CA431135289.

ClinVar aggregate classification (germline): Benign/Likely benign. Review status: criteria provided, multiple submitters, no conflicts (2 of 4 stars). 2 submissions from 2 submitters: Benign (1); Likely benign (1). Last evaluated 2024-07-22.

Conditions:
Familial cancer of breast. Also called: hereditary breast carcinoma; BREAST CANCER, FAMILIAL; Hereditary breast cancer. Identifiers: Orphanet 227535, MedGen C0346153, MONDO:0016419, OMIM 114480. Disease mechanism: loss of function.

Submissions (2):

Myriad Genetics, Inc.
Classification: Benign for Familial cancer of breast. Last evaluated: 2024-07-22. Review status: criteria provided, single submitter. Criteria: Myriad Autosomal Dominant, Autosomal Recessive and X-Linked Classification Criteria (2023). Collection method: clinical testing. Allele origin: unknown.
Comment: This variant is considered benign. This variant is a silent/synonymous amino acid change and it is not expected to impact splicing.

Labcorp Genetics (formerly Invitae), Labcorp
Classification: Likely benign for Familial cancer of breast. Last evaluated: 2022-04-22. Review status: criteria provided, single submitter. Criteria: Invitae Variant Classification Sherloc (09022015). Collection method: clinical testing. Allele origin: germline.